The following is an entry in ClinVar:

ClinVar aggregate classification (germline): Uncertain significance (1 of 4 stars; one submission).

Conditions:
Mitochondrial hypertrophic cardiomyopathy with lactic acidosis due to MTO1 deficiency. Also called: CARDIOMYOPATHY, INFANTILE HYPERTROPHIC MITOCHONDRIAL, AND LACTIC ACIDOSIS; Combined oxidative phosphorylation deficiency 10. Identifiers: Orphanet 314637, MedGen C4749921, MONDO:0013865, OMIM 614702.

gnomAD v4.1: 1 of 1,607,016 alleles (0.000062%); no homozygotes.

Submission:

Labcorp Genetics (formerly Invitae), Labcorp
Classification: Uncertain significance for Mitochondrial hypertrophic cardiomyopathy with lactic acidosis due to MTO1 deficiency. Last evaluated: 2021-11-29. Review status: criteria provided, single submitter. Criteria: Invitae Variant Classification Sherloc (09022015). Collection method: clinical testing. Allele origin: germline.
Comment: This variant is not present in population databases (gnomAD no frequency). This variant has not been reported in the literature in individuals affected with MTO1-related conditions. Variants that disrupt the consensus splice site are a relatively common cause of aberrant splicing (PMID: 17576681, 9536098). Algorithms developed to predict the effect of sequence changes on RNA splicing suggest that this variant may disrupt the consensus splice site. In summary, the available evidence is currently insufficient to determine the role of this variant in disease. Therefore, it has been classified as a Variant of Uncertain Significance. This sequence change falls in intron 3 of the MTO1 gene. It does not directly change the encoded amino acid sequence of the MTO1 protein. It affects a nucleotide within the consensus splice site.

Literature cited by the submitters: PubMed 17576681; PubMed 9536098.

NM_012123.4(MTO1):c.535+5G>T

Gene: MTO1 (mitochondrial tRNA translation optimization 1; plus strand). Cytogenetic location: 6q13.
Variant type: single nucleotide variant.
Coding change: c.535+5G>T on transcript NM_012123.4 (MANE Select); 5 bases into the intron after coding-DNA position 535, G replaced by T.
Molecular consequence: intron variant.
Genome position (GRCh38, 1-based): chr6:73,466,611, G>T. VCF-style: chr6-73466611-G-T. GRCh37 (hg19) VCF-style: chr6-74176334-G-T.
Other names: c.535+5G>T (NM_133645.3, NM_001123226.2).
Identifiers: ClinVar variation 1439053 (VCV001439053.6), dbSNP rs1405997705, ClinGen allele CA2573141195.